The following is an entry in ClinVar:

NM_004286.5(GTPBP1):c.102C>A (p.Ala34=)

Gene: GTPBP1 (GTP binding protein 1; plus strand). Cytogenetic location: 22q13.1.
Variant type: single nucleotide variant.
Coding change: c.102C>A on transcript NM_004286.5 (MANE Select); coding-DNA position 102, C replaced by A.
Protein change: p.Ala34=; no amino-acid change (alanine 34 retained).
Molecular consequence: synonymous variant.
Genome position (GRCh38, 1-based): chr22:38,706,057, C>A. VCF-style: chr22-38706057-C-A. GRCh37 (hg19) VCF-style: chr22-39102062-C-A.
Identifiers: ClinVar variation 4682009 (VCV004682009.5).

ClinVar aggregate classification (germline): Likely benign (1 of 4 stars; one submission).

gnomAD v4.1: 8 of 1,365,336 alleles (0.00059%); highest among the groups gnomAD compares: Admixed American, 0.029%; no homozygotes.

Submission:

CeGaT Center for Human Genetics Tuebingen
Classification: Likely benign. Last evaluated: 2025-12-01. Review status: criteria provided, single submitter. Criteria: CeGaT Center For Human Genetics Tuebingen Variant Classification Criteria Version 2. Collection method: clinical testing. Allele origin: germline. Affected: yes. Observed: 1 variant allele.
Comment: GTPBP1: BP4, BP7